The following is an entry in ClinVar:

NM_000051.4(ATM):c.812T>G (p.Leu271Arg)

Gene: ATM (ATM serine/threonine kinase; plus strand). Cytogenetic location: 11q22.3.
Variant type: single nucleotide variant.
Coding change: c.812T>G on transcript NM_000051.4 (MANE Select); coding-DNA position 812, T replaced by G.
Protein change: p.Leu271Arg; replaces leucine 271 with arginine.
Molecular consequence: missense variant.
Genome position (GRCh38, 1-based): chr11:108,244,937, T>G. VCF-style: chr11-108244937-T-G. GRCh37 (hg19) VCF-style: chr11-108115664-T-G.
Other names: c.812T>G, p.Leu271Arg (NM_001351834.2); short protein forms L271R.
Identifiers: ClinVar variation 827473 (VCV000827473.14), dbSNP rs1314281091, ClinGen allele CA382529398.

ClinVar aggregate classification (germline): Uncertain significance. Review status: criteria provided, multiple submitters, no conflicts (2 of 4 stars). 4 submissions from 4 submitters: Uncertain significance (4). Last evaluated 2024-03-02.

Conditions:
Familial cancer of breast. Also called: hereditary breast carcinoma; BREAST CANCER, FAMILIAL; Hereditary breast cancer. Identifiers: Orphanet 227535, MedGen C0346153, MONDO:0016419, OMIM 114480. Disease mechanism: loss of function.
Hereditary cancer-predisposing syndrome. Also called: Neoplastic Syndromes, Hereditary; Hereditary Cancer Syndrome; Hereditary neoplastic syndrome; Tumor predisposition. Identifiers: Orphanet 140162, MedGen C0027672, MeSH D009386, MONDO:0015356.
Ataxia-telangiectasia syndrome (AT). Also called: ATAXIA-TELANGIECTASIA, COMPLEMENTATION GROUP A; ATAXIA-TELANGIECTASIA, FRESNO VARIANT; Ataxia-telangiectasia, complementation group E; Ataxia telangiectasia (A-T); LOUIS-BAR SYNDROME; Cerebello-oculocutaneous telangiectasia. Identifiers: Orphanet 100, MedGen C0004135, MONDO:0008840, OMIM 208900.

Allele frequency attached by ClinVar (database versions not stated): gnomAD exomes below 0.00001 and 0.00001.

Submissions (4):

Labcorp Genetics (formerly Invitae), Labcorp
Classification: Uncertain significance for Ataxia-telangiectasia syndrome. Last evaluated: 2024-03-02. Review status: criteria provided, single submitter. Criteria: Invitae Variant Classification Sherloc (09022015). Collection method: clinical testing. Allele origin: germline.
Comment: This sequence change replaces leucine, which is neutral and non-polar, with arginine, which is basic and polar, at codon 271 of the ATM protein (p.Leu271Arg). This variant is present in population databases (no rsID available, gnomAD 0.0009%). This variant has not been reported in the literature in individuals affected with ATM-related conditions. ClinVar contains an entry for this variant (Variation ID: 827473). An algorithm developed to predict the effect of missense changes on protein structure and function (PolyPhen-2) suggests that this variant¬†is likely to be tolerated. In summary, the available evidence is currently insufficient to determine the role of this variant in disease. Therefore, it has been classified as a Variant of Uncertain Significance.

Baylor Genetics
Classification: Uncertain significance for Familial cancer of breast. Last evaluated: 2023-10-31. Review status: criteria provided, single submitter. Criteria: ACMG Guidelines, 2015. Collection method: clinical testing. Allele origin: unknown.

Ambry Genetics
Classification: Uncertain significance for Hereditary cancer-predisposing syndrome. Last evaluated: 2023-06-12. Review status: criteria provided, single submitter. Criteria: Ambry Variant Classification Scheme 2023. Collection method: clinical testing. Allele origin: germline.
Comment: The p.L271R variant (also known as c.812T>G), located in coding exon 6 of the ATM gene, results from a T to G substitution at nucleotide position 812. The leucine at codon 271 is replaced by arginine, an amino acid with dissimilar properties. This amino acid position is poorly conserved in available vertebrate species. In addition, the in silico prediction for this alteration is inconclusive. Since supporting evidence is limited at this time, the clinical significance of this alteration remains unclear.

GeneDx
Classification: Uncertain significance. Last evaluated: 2023-05-02. Review status: criteria provided, single submitter. Criteria: GeneDx Variant Classification Process June 2021. Collection method: clinical testing. Allele origin: germline. Affected: yes.
Comment: Not observed at significant frequency in large population cohorts (gnomAD); In silico analysis supports that this missense variant does not alter protein structure/function; Has not been previously published as pathogenic or benign to our knowledge